The following is an entry in ClinVar:

ClinVar aggregate classification (germline): Uncertain significance. Review status: criteria provided, multiple submitters, no conflicts (2 of 4 stars). 3 submissions from 3 submitters: Uncertain significance (2). 1 of the submissions does not count toward it. Last evaluated 2025-06-04.

Conditions:
MYH7-related disorder. Also called: MYH7-related condition; MYH7-related disease; MYH7-related disorders.
Cardiovascular phenotype. Identifiers: MedGen CN230736.
Hypertrophic cardiomyopathy. Also called: HYPERTROPHIC MYOCARDIOPATHY. Identifiers: Orphanet 217569, MedGen C0007194, MeSH D002312, MONDO:0005045, HP:0001639.

Submissions (3):

Labcorp Genetics (formerly Invitae), Labcorp
Classification: Uncertain significance for Hypertrophic cardiomyopathy. Last evaluated: 2025-06-04. Review status: criteria provided, single submitter. Criteria: Invitae Variant Classification Sherloc (09022015). Collection method: clinical testing. Allele origin: germline.
Comment: This sequence change replaces asparagine, which is neutral and polar, with lysine, which is basic and polar, at codon 80 of the MYH7 protein (p.Asn80Lys). This variant is not present in population databases (gnomAD no frequency). This missense change has been observed in individual(s) with dilated cardiomyopathy (internal data). ClinVar contains an entry for this variant (Variation ID: 518641). Invitae Evidence Modeling of protein sequence and biophysical properties (such as structural, functional, and spatial information, amino acid conservation, physicochemical variation, residue mobility, and thermodynamic stability) indicates that this missense variant is expected to disrupt MYH7 protein function with a positive predictive value of 95%. In summary, the available evidence is currently insufficient to determine the role of this variant in disease. Therefore, it has been classified as a Variant of Uncertain Significance.

Ambry Genetics
Classification: Uncertain significance for Cardiovascular phenotype. Last evaluated: 2017-03-14. Review status: criteria provided, single submitter. Criteria: Ambry Variant Classification Scheme 2023. Collection method: clinical testing. Allele origin: germline.
Comment: The p.N80K variant (also known as c.240C>A), located in coding exon 2 of the MYH7 gene, results from a C to A substitution at nucleotide position 240. The asparagine at codon 80 is replaced by lysine, an amino acid with similar properties. This amino acid position is highly conserved in available vertebrate species. In addition, the in silico prediction for this alteration is inconclusive. Since supporting evidence is limited at this time, the clinical significance of this alteration remains unclear.

PreventionGenetics, part of Exact Sciences
Classification: Uncertain significance for MYH7-related condition. Last evaluated: 2024-08-12. Review status: no assertion criteria provided. Collection method: clinical testing. Allele origin: germline. Not counted in ClinVar's aggregate classification.
Comment: The MYH7 c.240C>A variant is predicted to result in the amino acid substitution p.Asn80Lys. To our knowledge, this variant has not been reported in the literature or in a large population database, indicating this variant is rare. At this time, the clinical significance of this variant is uncertain due to the absence of conclusive functional and genetic evidence.

NM_000257.4(MYH7):c.240C>A (p.Asn80Lys)

Gene: MYH7 (myosin heavy chain 7; minus strand). Cytogenetic location: 14q11.2.
Variant type: single nucleotide variant.
Coding change: c.240C>A on transcript NM_000257.4 (MANE Select); coding-DNA position 240, C replaced by A.
Protein change: p.Asn80Lys; replaces asparagine 80 with lysine.
Molecular consequence: missense variant.
Genome position (GRCh38, 1-based): chr14:23,433,189, G>T on the plus strand (C>A on the coding strand, the complement: MYH7 is on the minus strand). VCF-style: chr14-23433189-G-T. GRCh37 (hg19) VCF-style: chr14-23902398-G-T.
Other names: c.240C>A (NM_000257.3, LRG_384t1); short protein forms N80K.
Identifiers: ClinVar variation 518641 (VCV000518641.9), dbSNP rs200493975, ClinGen allele CA389053390.